The following is an entry in ClinVar:

NM_016616.5(NME8):c.1400-9T>G

Gene: NME8 (NME/NM23 family member 8; plus strand). Cytogenetic location: 7p14.1.
Variant type: single nucleotide variant.
Coding change: c.1400-9T>G on transcript NM_016616.5 (MANE Select); 9 bases into the intron before coding-DNA position 1400, T replaced by G.
Molecular consequence: intron variant.
Genome position (GRCh38, 1-based): chr7:37,894,457, T>G. VCF-style: chr7-37894457-T-G. GRCh37 (hg19) VCF-style: chr7-37934059-T-G.
Identifiers: ClinVar variation 2025266 (VCV002025266.4), dbSNP rs2483672294, ClinGen allele CA2580077089.

ClinVar aggregate classification (germline): Uncertain significance (1 of 4 stars; one submission).

Conditions:
Primary ciliary dyskinesia 6. Also called: Primary Ciliary Dyskinesia 6: TXNDC3-Related Primary Ciliary Dyskinesia. Identifiers: Orphanet 244, MedGen C1970506, MONDO:0012571, OMIM 610852.

Allele frequency attached by ClinVar (database versions not stated): gnomAD exomes below 0.00001.
gnomAD v4.1: 1 of 1,612,196 alleles (0.000062%); highest among the groups gnomAD compares: African/African-American, 0.0013%; no homozygotes.

Submission:

Labcorp Genetics (formerly Invitae), Labcorp
Classification: Uncertain significance for Primary ciliary dyskinesia 6. Last evaluated: 2022-08-20. Review status: criteria provided, single submitter. Criteria: Invitae Variant Classification Sherloc (09022015). Collection method: clinical testing. Allele origin: germline.
Comment: This variant has not been reported in the literature in individuals affected with NME8-related conditions. This variant is not present in population databases (gnomAD no frequency). This sequence change falls in intron 15 of the NME8 gene. It does not directly change the encoded amino acid sequence of the NME8 protein. In summary, the available evidence is currently insufficient to determine the role of this variant in disease. Therefore, it has been classified as a Variant of Uncertain Significance. Algorithms developed to predict the effect of sequence changes on RNA splicing suggest that this variant may disrupt the consensus splice site.